The following is an entry in ClinVar:

ClinVar aggregate classification (germline): Uncertain significance (1 of 4 stars; one submission).

Conditions:
Candidiasis, familial, 9 (CANDF9). Identifiers: Orphanet 1334, MedGen C4225324, MONDO:0014642, OMIM 616445.

Allele frequency attached by ClinVar (database versions not stated): gnomAD exomes 0.00001; TOPMed 0.00001; ExAC 0.00002.
gnomAD v4.1: 15 of 1,613,940 alleles (0.00093%); highest among the groups gnomAD compares: African/African-American, 0.0027%; no homozygotes.

Submission:

Labcorp Genetics (formerly Invitae), Labcorp
Classification: Uncertain significance for Candidiasis, familial, 9. Last evaluated: 2025-12-26. Review status: criteria provided, single submitter. Criteria: Invitae Variant Classification Sherloc (09022015). Collection method: clinical testing. Allele origin: germline.
Comment: This sequence change replaces threonine, which is neutral and polar, with methionine, which is neutral and non-polar, at codon 497 of the IL17RC protein (p.Thr497Met). This variant is present in population databases (rs747269828, gnomAD 0.003%). This variant has not been reported in the literature in individuals affected with IL17RC-related conditions. ClinVar contains an entry for this variant (Variation ID: 936671). An algorithm developed to predict the effect of missense changes on protein structure and function (PolyPhen-2) suggests that this variant is likely to be disruptive. Algorithms developed to predict the effect of sequence changes on RNA splicing suggest that this variant may disrupt the consensus splice site. In summary, the available evidence is currently insufficient to determine the role of this variant in disease. Therefore, it has been classified as a Variant of Uncertain Significance.

NM_153460.4(IL17RC):c.1277C>T (p.Thr426Met)

Gene: IL17RC (interleukin 17 receptor C; plus strand). Cytogenetic location: 3p25.3.
Variant type: single nucleotide variant.
Coding change: c.1277C>T on transcript NM_153460.4 (MANE Select); coding-DNA position 1277, C replaced by T.
Protein change: p.Thr426Met; replaces threonine 426 with methionine.
Molecular consequence: missense variant. On other transcripts: non-coding transcript variant (1).
Genome position (GRCh38, 1-based): chr3:9,930,148, C>T. VCF-style: chr3-9930148-C-T. GRCh37 (hg19) VCF-style: chr3-9971832-C-T.
Other names: c.1277C>T, p.Thr426Met (NM_001203263.2); c.1226C>T, p.Thr409Met (NM_001203264.2); c.1181C>T, p.Thr394Met (NM_001203265.2); c.1238C>T, p.Thr413Met (NM_001367278.1); c.1157C>T, p.Thr386Met (NM_001367279.1); c.1232C>T, p.Thr411Met (NM_001367280.1, NM_032732.6); c.1490C>T, p.Thr497Met (NM_153461.4); short protein forms T394M, T411M, T409M, T413M, T426M, T386M, T497M.
Identifiers: ClinVar variation 936671 (VCV000936671.3), dbSNP rs747269828, ClinGen allele CA2247208.